The following is an entry in ClinVar:

ClinVar aggregate classification (germline): Uncertain significance (1 of 4 stars; one submission).

Submission:

Labcorp Genetics (formerly Invitae), Labcorp
Classification: Uncertain significance. Last evaluated: 2022-08-23. Review status: criteria provided, single submitter. Criteria: Invitae Variant Classification Sherloc (09022015). Collection method: clinical testing. Allele origin: germline.
Comment: This variant has not been reported in the literature in individuals affected with OPHN1-related conditions. In summary, the available evidence is currently insufficient to determine the role of this variant in disease. Therefore, it has been classified as a Variant of Uncertain Significance. Algorithms developed to predict the effect of missense changes on protein structure and function are either unavailable or do not agree on the potential impact of this missense change (SIFT: "Deleterious"; PolyPhen-2: "Benign"; Align-GVGD: "Class C0"). This variant is not present in population databases (gnomAD no frequency). This sequence change replaces proline, which is neutral and non-polar, with threonine, which is neutral and polar, at codon 653 of the OPHN1 protein (p.Pro653Thr).

NM_002547.3(OPHN1):c.1957C>A (p.Pro653Thr)

Gene: OPHN1 (oligophrenin 1; minus strand). Cytogenetic location: Xq12.
Variant type: single nucleotide variant.
Coding change: c.1957C>A on transcript NM_002547.3 (MANE Select); coding-DNA position 1957, C replaced by A.
Protein change: p.Pro653Thr; replaces proline 653 with threonine.
Molecular consequence: missense variant.
Genome position (GRCh38, 1-based): chrX:68,064,055, G>T on the plus strand (C>A on the coding strand, the complement: OPHN1 is on the minus strand). VCF-style: chrX-68064055-G-T. GRCh37 (hg19) VCF-style: chrX-67283897-G-T.
Other names: short protein forms P653T.
Identifiers: ClinVar variation 2073676 (VCV002073676.4), dbSNP rs2519632257, ClinGen allele CA413430667.
Genomic context (GRCh38, chrX:68,064,055, plus strand): 5'-ACTTCCCCACGTCCACCTCTGGGCAGGGCTCCAACTTGCCATCCAAAATAGGCCTGCTTG[G>T]GGACTTCCTCCCAGGATCAGTTTCCCCACTCCTCTGAATAGGTAGTTTGGGGTGTTGTGG-3'
Protein context (NP_002538.1, residues 643-663): SGETDPGRKS[Pro653Thr]SRPILDGKLE